The following is an entry in ClinVar:

NM_004612.4(TGFBR1):c.582A>G (p.Pro194=)

Gene: TGFBR1 (transforming growth factor beta receptor 1; plus strand). Cytogenetic location: 9q22.33.
Variant type: single nucleotide variant.
Coding change: c.582A>G on transcript NM_004612.4 (MANE Select); coding-DNA position 582, A replaced by G.
Protein change: p.Pro194=; no amino-acid change (proline 194 retained).
Molecular consequence: synonymous variant.
Genome position (GRCh38, 1-based): chr9:99,137,866, A>G. VCF-style: chr9-99137866-A-G. GRCh37 (hg19) VCF-style: chr9-101900148-A-G.
Other names: c.351A>G, p.Pro117= (NM_001130916.3); c.594A>G, p.Pro198= (NM_001306210.2).
Identifiers: ClinVar variation 389350 (VCV000389350.19), dbSNP rs200679996, ClinGen allele CA16605934.
Genomic context (GRCh38, chr9:99,137,866, plus strand): 5'-TGAAACATGTAATATTGTTGATTGTGTTGAGTACTATTTATTTTTACCTTTAGGTTTACC[A>G]TTGCTTGTTCAGAGAACAATTGCGAGAACTATTGTGTTACAAGAAAGCATTGGCAAAGGT-3'
Protein context (NP_004603.1, residues 184-204): MTTSGSGSGL[Pro194=]LLVQRTIART

ClinVar aggregate classification (germline): Conflicting classifications of pathogenicity. Review status: criteria provided, conflicting classifications (1 of 4 stars). 6 submissions from 6 submitters: Uncertain significance (1); Likely benign (5). Last evaluated 2025-12-23.

Conditions:
Loeys-Dietz syndrome (LDS). Identifiers: Orphanet 60030, MedGen C2697932, MONDO:0018954.
Loeys-Dietz syndrome 1 (LDS1). Also called: AORTIC ANEURYSM, FAMILIAL THORACIC 5; FURLONG SYNDROME; TGFBR1-Related Loeys-Dietz Syndrome. Identifiers: Orphanet 60030, MedGen C4551955, MONDO:0012212, OMIM 609192.
Familial thoracic aortic aneurysm and aortic dissection (TAAD). Also called: Thoracic aortic aneurysms and dissections. Identifiers: Orphanet 91387, MedGen C4707243, MONDO:0019625.

gnomAD v4.1: 4 of 1,613,610 alleles (0.00025%); highest among the groups gnomAD compares: Non-Finnish European, 0.00034%; no homozygotes.

Submissions (6):

Labcorp Genetics (formerly Invitae), Labcorp
Classification: Likely benign for Familial thoracic aortic aneurysm and aortic dissection. Last evaluated: 2025-12-23. Review status: criteria provided, single submitter. Criteria: Invitae Variant Classification Sherloc (09022015). Collection method: clinical testing. Allele origin: germline.

Ambry Genetics
Classification: Likely benign for Familial thoracic aortic aneurysm and aortic dissection. Last evaluated: 2025-08-28. Review status: criteria provided, single submitter. Criteria: Ambry Variant Classification Scheme 2023. Collection method: clinical testing. Allele origin: germline.

All of Us Research Program, National Institutes of Health
Classification: Likely benign for Loeys-Dietz syndrome. Last evaluated: 2023-10-02. Review status: criteria provided, single submitter. Criteria: ACMG Guidelines, 2015. Collection method: clinical testing. Allele origin: germline. Inheritance: Autosomal dominant inheritance. Observed: 1 variant allele, 1 heterozygote.
Comment: This study involves interpretation of variants in research participants for the purpose of population health screening. Participant phenotype was not available at the time of variant classification. Additional details can be found in publication PMID: 35346344, PMCID: PMC8962531

Color Diagnostics, LLC DBA Color Health
Classification: Likely benign for Familial thoracic aortic aneurysm and aortic dissection. Last evaluated: 2021-03-03. Review status: criteria provided, single submitter. Criteria: ACMG Guidelines, 2015. Collection method: clinical testing. Allele origin: germline.

Illumina Laboratory Services, Illumina
Classification: Uncertain significance for Loeys-Dietz syndrome 1. Last evaluated: 2018-01-13. Review status: criteria provided, single submitter. Criteria: ICSL Variant Classification Criteria 13 December 2019. Collection method: clinical testing. Allele origin: germline.

GeneDx
Classification: Likely benign. Last evaluated: 2016-09-15. Review status: criteria provided, single submitter. Criteria: GeneDx Variant Classification (06012015). Collection method: clinical testing. Allele origin: germline. Affected: yes.
Comment: This variant is considered likely benign or benign based on one or more of the following criteria: it is a conservative change, it occurs at a poorly conserved position in the protein, it is predicted to be benign by multiple in silico algorithms, and/or has population frequency not consistent with disease.